The following is an entry in ClinVar:

ClinVar aggregate classification (germline): Pathogenic. Review status: criteria provided, multiple submitters, no conflicts (2 of 4 stars). 21 submissions from 17 submitters: Pathogenic (15). 6 of the submissions do not count toward it. Last evaluated 2026-01-15.

Conditions:
COL7A1-related disorder. Also called: COL7A1- related disorders; COL7A1-related condition.
Pretibial dystrophic epidermolysis bullosa. Also called: Pretibial epidermolysis bullosa; EPIDERMOLYSIS BULLOSA DYSTROPHICA, PRETIBIAL; Pretibial blistering. Identifiers: Orphanet 79410, MedGen C0432321, MONDO:0007552, OMIM 131850, HP:0012221.
Recessive dystrophic epidermolysis bullosa (RDEB). Also called: DYSTROPHIC EPIDERMOLYSIS BULLOSA, AUTOSOMAL RECESSIVE; EPIDERMOLYSIS BULLOSA DYSTROPHICA, HALLOPEAU-SIEMENS TYPE; epidermolysis bullosa dystrophica, autosomal recessive; Hallopeau-Siemens Disease; severe generalized recessive dystrophic epidermolysis bullosa; EPIDERMOLYSIS BULLOSA DYSTROPHICA, GENERALIZED SEVERE, AUTOSOMAL RECESSIVE. Identifiers: Orphanet 79408, Orphanet 79409, MedGen C0079474, MONDO:0009179, OMIM 226600.
Epidermolysis bullosa pruriginosa. Also called: DEB, PRURIGINOSA; DYSTROPHIC EPIDERMOLYSIS BULLOSA PRURIGINOSA. Identifiers: Orphanet 89843, MedGen C1275114, MONDO:0011398, OMIM 604129.
Transient bullous dermolysis of the newborn (TBDN). Also called: DYSTROPHIC EPIDERMOLYSIS BULLOSA, NEONATAL; EPIDERMOLYSIS BULLOSA DYSTROPHICA, NEONATAL FORM. Identifiers: Orphanet 79411, MedGen C1851573, MONDO:0007548, OMIM 131705.
Dominant dystrophic epidermolysis bullosa with absence of skin. Also called: EPIDERMOLYSIS BULLOSA DYSTROPHICA, BART TYPE; EPIDERMOLYSIS BULLOSA WITH CONGENITAL LOCALIZED ABSENCE OF SKIN AND DEFORMITY OF NAILS. Identifiers: MedGen C0268371, MONDO:0007557, OMIM 132000.
Generalized dominant dystrophic epidermolysis bullosa (DDEB). Also called: DDEB-gen; DYSTROPHIC EPIDERMOLYSIS BULLOSA, AUTOSOMAL DOMINANT; Epidermolysis bullosa dystrophica, autosomal dominant; Dominant DEB (DDEB); DDEB, generalized. Identifiers: Orphanet 231568, MedGen C0432322, MONDO:0007549, OMIM 131750.
Nonsyndromic congenital nail disorder 8. Also called: TOENAIL DYSTROPHY, ISOLATED. Identifiers: MedGen C1843761, MONDO:0011852, OMIM 607523.
Epidermolysis bullosa dystrophica. Also called: Dystrophic epidermolysis bullosa; Dystrophic epidermolysis bullosa, Hallopeau-Siemens type (formerly). Identifiers: Orphanet 303, MedGen C0079294, MONDO:0006543.
Epidermolysis bullosa dystrophica inversa, autosomal recessive. Identifiers: MedGen C2673612.
Epidermolysis bullosa dystrophica, autosomal recessive, localisata variant. Identifiers: MedGen C2673611.
Epidermolysis bullosa pruriginosa, autosomal recessive. Identifiers: MedGen C1853063.
Nonsyndromic congenital nail disorder 4 (NDNC4). Also called: ANONYCHIA/HYPONYCHIA CONGENITA; ANONYCHIA TOTALIS. Identifiers: Orphanet 79143, Orphanet 94150, MedGen C3277900, MONDO:0008798, OMIM 206800.
Abnormality of the skin. Identifiers: MedGen C5848159, HP:0000951.
Skin erosion. Identifiers: MedGen C3887524, HP:0200041.
Nail dystrophy. Identifiers: MedGen C0221260, HP:0008404.

Allele frequency attached by ClinVar (database versions not stated): gnomAD 0.00008 and 0.00009; ExAC 0.00004; gnomAD exomes 0.00004 and 0.00003; TOPMed 0.00006.
gnomAD v4.1: 74 of 1,614,022 alleles (0.0046%); highest among the groups gnomAD compares: Non-Finnish European, 0.0061%; no homozygotes.

Submissions 1 to 7 of 21:

Labcorp Genetics (formerly Invitae), Labcorp
Classification: Pathogenic. Last evaluated: 2026-01-15. Review status: criteria provided, single submitter. Criteria: Invitae Variant Classification Sherloc (09022015). Collection method: clinical testing. Allele origin: germline.
Comment: This sequence change replaces lysine, which is basic and polar, with arginine, which is basic and polar, at codon 142 of the COL7A1 protein (p.Lys142Arg). RNA analysis indicates that this missense change induces altered splicing and may result in an absent or altered protein product. This variant is present in population databases (rs121912856, gnomAD 0.009%). This missense change has been observed in individuals with autosomal recessive epidermolysis bullosa dystrophica (PMID: 11781296, 12787275, 15888141, 16971478, 19681861, 22266148). It has also been observed to segregate with disease in related individuals. ClinVar contains an entry for this variant (Variation ID: 29636). Experimental studies and prediction algorithms are not available or were not evaluated, and the functional significance of this variant is currently unknown. Studies have shown that this missense change results in abnormal splicing, and produces a non-functional protein and/or introduces a premature termination codon (PMID: 8755915, 10408773). For these reasons, this variant has been classified as Pathogenic.

Natera, Inc.
Classification: Pathogenic for Dystrophic epidermolysis bullosa. Last evaluated: 2025-10-09. Review status: criteria provided, single submitter. Criteria: Natera Variant Classification Schema (03/2026). Collection method: clinical testing. Allele origin: germline.
Comment: The c.425A>G variant in COL7A1 is a missense variant predicted to cause substitution of lysine to arginine at amino acid 142. This variant is rare in the general population with a frequency below the threshold expected for the associated phenotype(s). This variant has been observed in one or more individuals affected with the associated recessive disease, as either homozygous or compound heterozygous with a second variant (PMID: 33274474, 34230977, 10408773). Given the available evidence, this variant is classified as Pathogenic.

Blueprint Genetics
Classification: Pathogenic for COL7A1-related disorders. Last evaluated: 2024-10-10. Review status: criteria provided, single submitter. Criteria: ACMG Guidelines, 2015. Collection method: clinical testing. Allele origin: germline. Affected: yes. Observed: 5 variant alleles.

Women's Health and Genetics/Laboratory Corporation of America, LabCorp
Classification: Pathogenic for Dystrophic Epidermolysis Bullosa, Recessive. Last evaluated: 2024-07-09. Review status: criteria provided, single submitter. Criteria: LabCorp Variant Classification Summary - May 2015. Collection method: clinical testing. Allele origin: germline.
Comment: Variant summary: COL7A1 c.425A>G (p.Lys142Arg) results in a conservative amino acid change located in the von Willebrand factor, type A domain (IPR002035) of the encoded protein sequence. Four of five in-silico tools predict a damaging effect of the variant on protein function. Several computational tools predict a significant impact on normal splicing: Four predict the variant abolishes the canonical 5' splicing donor site and three predict the variant also creates a 3' acceptor site. At least one publication reports experimental evidence that this variant indeed affects mRNA splicing, resulting in the creation of a premature termination codon (e.g. Gardella_1996). The variant allele was found at a frequency of 3.2e-05 in 251394 control chromosomes. c.425A>G has been reported in the literature in multiple homozygous and compound heterozygous individuals affected with Recessive Dystrophic Epidermolysis Bullosa (eg. Gardella_1996, Jerabkova_2010). These data indicate that the variant is very likely to be associated with disease. The following publications have been ascertained in the context of this evaluation (PMID: 8755915, 20598510). ClinVar contains an entry for this variant (Variation ID: 29636). Based on the evidence outlined above, the variant was classified as pathogenic.

Fulgent Genetics
Classification: Pathogenic for Transient bullous dermolysis of the newborn; Generalized dominant dystrophic epidermolysis bullosa; Pretibial dystrophic epidermolysis bullosa; Dominant dystrophic epidermolysis bullosa with absence of skin; Recessive dystrophic epidermolysis bullosa; Epidermolysis bullosa pruriginosa; Nonsyndromic congenital nail disorder 8. Last evaluated: 2024-06-01. Review status: criteria provided, single submitter. Criteria: ACMG Guidelines, 2015. Collection method: clinical testing. Allele origin: germline.

Molecular Genetics, Royal Melbourne Hospital
Classification: Pathogenic for Epidermolysis bullosa dystrophica. Last evaluated: 2023-03-30. Review status: criteria provided, single submitter. Criteria: ACMG Guidelines, 2015. Collection method: clinical testing. Allele origin: germline. Affected: yes.
Comment: This sequence change in COL7A1 is predicted to replace lysine with arginine at codon 142, p.(Lys142Arg). This variant also falls at the second last nucleotide of exon 3 of the COL7A1 coding sequence, which is part of the consensus donor splice site for this exon. The highest population minor allele frequency in gnomAD v2.1 is 0.007% (9/129,144 alleles) in the European (non-Finnish) population, which is consistent with recessive disease. This variant has been detected in at least 12 individuals with recessive dystrophic epidermolysis bullosa (RDEB). Of those individuals, two individuals were homozygous and 10 were compound heterozygous for the variant and a pathogenic or likely pathogenic variant confirmed in trans by parental testing. All these cases demonstrated loss or reduced expression of Collagen VII in the dermal-epidermal junction (PMID: 8755915, 10408773, 12787275, 15888141). The variant has been reported to segregate with RDEB in at least one family (PMID: 12787275). Multiple lines of computational evidence predict an impact on splicing (SpliceAI, MaxEntScan, NNSplice), and have conflicting predictions for the missense substitution (3/6 algorithms predict deleterious). The splicing prediction is confirmed by RT-PCR and allele-specific analyses in skin fibroblasts. The assay demonstrated that the variant impacts splicing by full expression of three aberrant transcripts (all expected to undergo nonsense-mediated decay), exon 3 skipping being the most prevalent (PMID: 8755915, 10408773). Based on the classification scheme RMH Modified ACMG Guidelines v1.4.0, this variant is classified as PATHOGENIC. Following criteria are met: PS3, PM3_VeryStrong, PM2_Supporting, PP1, PP3, PP4.

Center for Research in Genodermatoses and Epidermolysis Bullosa, University of Buenos Aires
Classification: Pathogenic for Recessive dystrophic epidermolysis bullosa. Last evaluated: 2022-03-14. Review status: criteria provided, single submitter. Criteria: ACMG Guidelines, 2015. Collection method: clinical testing. Allele origin: germline. Affected: yes. Observed: 4 variant alleles, 4 compound heterozygotes.

NM_000094.4(COL7A1):c.425A>G (p.Lys142Arg)

Gene: COL7A1 (collagen type VII alpha 1 chain; minus strand). Cytogenetic location: 3p21.31.
Variant type: single nucleotide variant.
Coding change: c.425A>G on transcript NM_000094.4 (MANE Select); coding-DNA position 425, A replaced by G.
Protein change: p.Lys142Arg; replaces lysine 142 with arginine.
Molecular consequence: missense variant.
Genome position (GRCh38, 1-based): chr3:48,593,538, T>C on the plus strand (A>G on the coding strand, the complement: COL7A1 is on the minus strand). VCF-style: chr3-48593538-T-C. GRCh37 (hg19) VCF-style: chr3-48630971-T-C.
Other names: IVS3DS, A-G, -2; short protein forms K142R.
Identifiers: ClinVar variation 29636 (VCV000029636.55), dbSNP rs121912856, ClinGen allele CA128526.